The following is an entry in ClinVar:

NM_002691.4(POLD1):c.176A>G (p.Gln59Arg)

Gene: POLD1 (DNA polymerase delta 1, catalytic subunit; plus strand). Cytogenetic location: 19q13.33.
Variant type: single nucleotide variant.
Coding change: c.176A>G on transcript NM_002691.4 (MANE Select); coding-DNA position 176, A replaced by G.
Protein change: p.Gln59Arg; replaces glutamine 59 with arginine.
Molecular consequence: missense variant. On other transcripts: non-coding transcript variant (1).
Genome position (GRCh38, 1-based): chr19:50,399,027, A>G. VCF-style: chr19-50399027-A-G. GRCh37 (hg19) VCF-style: chr19-50902284-A-G.
Other names: c.176A>G, p.Gln59Arg (NM_001256849.1, NM_001308632.1); c.176A>G (NM_002691.2); short protein forms Q59R.
Identifiers: ClinVar variation 1973453 (VCV001973453.6), dbSNP rs924990439, ClinGen allele CA406970315.

ClinVar aggregate classification (germline): Uncertain significance. Review status: criteria provided, multiple submitters, no conflicts (2 of 4 stars). 2 submissions from 2 submitters: Uncertain significance (2). Last evaluated 2025-08-18.

Conditions:
POLD1-related polyposis and colorectal cancer syndrome (CRCS10). Also called: Colorectal cancer 10; COLORECTAL CANCER, SUSCEPTIBILITY TO, ON CHROMOSOME 19q; Colorectal cancer, susceptibility to, 10. Identifiers: Orphanet 220460, MedGen C2675481, MONDO:0012953, OMIM 612591.
Hereditary cancer-predisposing syndrome. Also called: Tumor predisposition; Hereditary Cancer Syndrome; Hereditary neoplastic syndrome; Neoplastic Syndromes, Hereditary. Identifiers: Orphanet 140162, MedGen C0027672, MeSH D009386, MONDO:0015356.

Submissions (2):

Labcorp Genetics (formerly Invitae), Labcorp
Classification: Uncertain significance for POLD1-related polyposis and colorectal cancer syndrome. Last evaluated: 2025-08-18. Review status: criteria provided, single submitter. Criteria: Invitae Variant Classification Sherloc (09022015). Collection method: clinical testing. Allele origin: germline.
Comment: This sequence change replaces glutamine, which is neutral and polar, with arginine, which is basic and polar, at codon 59 of the POLD1 protein (p.Gln59Arg). This variant is not present in population databases (gnomAD no frequency). This variant has not been reported in the literature in individuals affected with POLD1-related conditions. ClinVar contains an entry for this variant (Variation ID: 1973453). An algorithm developed to predict the effect of missense changes on protein structure and function outputs the following: PolyPhen-2: "Possibly Damaging". The arginine amino acid residue is found in multiple mammalian species, which suggests that this missense change does not adversely affect protein function. Algorithms developed to predict the effect of sequence changes on RNA splicing suggest that this variant may create or strengthen a splice site. In summary, the available evidence is currently insufficient to determine the role of this variant in disease. Therefore, it has been classified as a Variant of Uncertain Significance.

Ambry Genetics
Classification: Uncertain significance for Hereditary cancer-predisposing syndrome. Last evaluated: 2024-01-31. Review status: criteria provided, single submitter. Criteria: Ambry Variant Classification Scheme 2023. Collection method: clinical testing. Allele origin: germline.
Comment: The p.Q59R variant (also known as c.176A>G), located in coding exon 1 of the POLD1 gene, results from an A to G substitution at nucleotide position 176. The glutamine at codon 59 is replaced by arginine, an amino acid with highly similar properties. This amino acid position is conserved. In addition, this alteration is predicted to be tolerated by in silico analysis. Based on the available evidence, the clinical significance of this alteration remains unclear.